The following is an entry in ClinVar:

NM_032756.4(HPDL):c.119A>C (p.Asp40Ala)

Gene: HPDL (4-hydroxyphenylpyruvate dioxygenase like; plus strand). Cytogenetic location: 1p34.1.
Variant type: single nucleotide variant.
Coding change: c.119A>C on transcript NM_032756.4 (MANE Select); coding-DNA position 119, A replaced by C.
Protein change: p.Asp40Ala; replaces aspartic acid 40 with alanine.
Molecular consequence: missense variant.
Genome position (GRCh38, 1-based): chr1:45,327,267, A>C. VCF-style: chr1-45327267-A-C. GRCh37 (hg19) VCF-style: chr1-45792939-A-C.
Other names: short protein forms D40A.
Identifiers: ClinVar variation 1802210 (VCV001802210.3), dbSNP rs1373482623, ClinGen allele CA340127705.

ClinVar aggregate classification (germline): Uncertain significance (1 of 4 stars; one submission).

Conditions:
Neurodevelopmental disorder with progressive spasticity and brain white matter abnormalities. Also called: CEREBRAL PALSY, SPASTIC QUADRIPLEGIC, 1. Identifiers: Orphanet 210141, Orphanet 641353, MedGen C5436628, MONDO:0033613, OMIM 619026.

Submission:

Diagnostics Services (NGS), CSIR - Centre For Cellular And Molecular Biology
Classification: Uncertain significance for Neurodevelopmental disorder with progressive spasticity and brain white matter abnormalities. Last evaluated: 2022-07-21. Review status: criteria provided, single submitter. Criteria: ACMG Guidelines, 2015. Collection method: clinical testing. Allele origin: germline. Affected: yes. Observed: 1 variant allele, 1 homozygote.
Comment: The c.119A>C variant is not present in publicly available population databases like 1000 Genomes, EVS, ExAC, gnomAD and Indian Exome Database. The variant is not present in our in-house exome database. The variant has not been previously reported to ClinVar, Human Genome Mutation Database (HGMD) and/or OMIM databases, in any affected individuals. Predictions from different in-silico pathogenicity prediction programs like SIFT, PolyPhen-2, MutationTaster2, CADD, Varsome etc. are contradictory.